The following is an entry in ClinVar:

ClinVar aggregate classification (germline): Uncertain significance (1 of 4 stars; one submission).

Submission:

Labcorp Genetics (formerly Invitae), Labcorp
Classification: Uncertain significance. Last evaluated: 2025-12-24. Review status: criteria provided, single submitter. Criteria: Invitae Variant Classification Sherloc (09022015). Collection method: clinical testing. Allele origin: germline.
Comment: This sequence change replaces aspartic acid, which is acidic and polar, with histidine, which is basic and polar, at codon 186 of the NFKB1 protein (p.Asp186His). This variant is not present in population databases (gnomAD no frequency). This variant has not been reported in the literature in individuals affected with NFKB1-related conditions. Invitae Evidence Modeling of protein sequence and biophysical properties (such as structural, functional, and spatial information, amino acid conservation, physicochemical variation, residue mobility, and thermodynamic stability) indicates that this missense variant is not expected to disrupt NFKB1 protein function with a negative predictive value of 80%. In summary, the available evidence is currently insufficient to determine the role of this variant in disease. Therefore, it has been classified as a Variant of Uncertain Significance.

NM_003998.4(NFKB1):c.556G>C (p.Asp186His)

Gene: NFKB1 (nuclear factor kappa B subunit 1; plus strand). Cytogenetic location: 4q24.
Variant type: single nucleotide variant.
Coding change: c.556G>C on transcript NM_003998.4 (MANE Select); coding-DNA position 556, G replaced by C.
Protein change: p.Asp186His; replaces aspartic acid 186 with histidine.
Molecular consequence: missense variant.
Genome position (GRCh38, 1-based): chr4:102,577,024, G>C. VCF-style: chr4-102577024-G-C. GRCh37 (hg19) VCF-style: chr4-103498181-G-C.
Other names: c.553G>C, p.Asp185His (NM_001165412.2, NM_001319226.2, NM_001382627.1); c.556G>C, p.Asp186His (NM_001382625.1, NM_001382626.1); c.514G>C, p.Asp172His (NM_001382628.1); short protein forms D172H, D185H, D186H.
Identifiers: ClinVar variation 4744609 (VCV004744609.1).